The following is an entry in ClinVar:

NM_001177693.2(ARHGEF28):c.3658+7T>C

Gene: ARHGEF28 (Rho guanine nucleotide exchange factor 28; plus strand). Cytogenetic location: 5q13.2.
Variant type: single nucleotide variant.
Coding change: c.3658+7T>C on transcript NM_001177693.2 (MANE Select); 7 bases into the intron after coding-DNA position 3658, T replaced by C.
Molecular consequence: intron variant.
Genome position (GRCh38, 1-based): chr5:73,893,295, T>C. VCF-style: chr5-73893295-T-C. GRCh37 (hg19) VCF-style: chr5-73189120-T-C.
Other names: c.3658+7T>C (NM_001080479.3, NM_001388078.1); c.3364+7T>C (NM_001388076.1); c.2719+7T>C (NM_001244364.2).
Identifiers: ClinVar variation 3045127 (VCV003045127.2), dbSNP rs1486990214, ClinGen allele CA560354982.

ClinVar aggregate classification (germline): Likely benign (0 of 4 stars; one submission).

Conditions:
ARHGEF28-related disorder. Also called: ARHGEF28-related condition.

Allele frequency attached by ClinVar (database versions not stated): TOPMed below 0.00001.
gnomAD v4.1: 14 of 1,538,530 alleles (0.00091%); highest among the groups gnomAD compares: Non-Finnish European, 0.0011%; no homozygotes.

Submission:

PreventionGenetics, part of Exact Sciences
Classification: Likely benign for ARHGEF28-related condition. Last evaluated: 2019-10-08. Review status: no assertion criteria provided. Collection method: clinical testing. Allele origin: germline.
Comment: This variant is classified as likely benign based on ACMG/AMP sequence variant interpretation guidelines (Richards et al. 2015 PMID: 25741868, with internal and published modifications).